The following is an entry in ClinVar:

ClinVar aggregate classification (germline): Benign/Likely benign. Review status: criteria provided, multiple submitters, no conflicts (2 of 4 stars). 2 submissions from 2 submitters: Benign (1); Likely benign (1). Last evaluated 2025-10-26.

Conditions:
Majeed syndrome (MJDS). Also called: CHRONIC RECURRENT MULTIFOCAL OSTEOMYELITIS 1, WITH CONGENITAL DYSERYTHROPOIETIC ANEMIA, WITH OR WITHOUT NEUTROPHILIC DERMATOSIS; LPIN2-Related Majeed Syndrome. Identifiers: Orphanet 77297, MedGen C1864997, MONDO:0012316, OMIM 609628.

Allele frequency attached by ClinVar (database versions not stated): gnomAD 0.00006; ESP Exome Variant Server 0.00008; TOPMed 0.00011.
gnomAD v4.1: 41 of 1,613,978 alleles (0.0025%); highest among the groups gnomAD compares: Admixed American, 0.023%; no homozygotes.

Submissions (2):

Labcorp Genetics (formerly Invitae), Labcorp
Classification: Likely benign for Majeed syndrome. Last evaluated: 2025-10-26. Review status: criteria provided, single submitter. Criteria: Invitae Variant Classification Sherloc (09022015). Collection method: clinical testing. Allele origin: germline.

GeneDx
Classification: Benign. Last evaluated: 2014-02-07. Review status: criteria provided, single submitter. Criteria: GeneDx Variant Classification (06012015). Collection method: clinical testing. Allele origin: germline. Affected: yes.
Comment: This variant is considered likely benign or benign based on one or more of the following criteria: it is a conservative change, it occurs at a poorly conserved position in the protein, it is predicted to be benign by multiple in silico algorithms, and/or has population frequency not consistent with disease.

NM_001375808.2(LPIN2):c.1011C>T (p.Ser337=)

Gene: LPIN2 (lipin 2; minus strand). Cytogenetic location: 18p11.31.
Variant type: single nucleotide variant.
Coding change: c.1011C>T on transcript NM_001375808.2 (MANE Select); coding-DNA position 1011, C replaced by T.
Protein change: p.Ser337=; no amino-acid change (serine 337 retained).
Molecular consequence: synonymous variant.
Genome position (GRCh38, 1-based): chr18:2,937,849, G>A on the plus strand (C>T on the coding strand, the complement: LPIN2 is on the minus strand). VCF-style: chr18-2937849-G-A. GRCh37 (hg19) VCF-style: chr18-2937847-G-A.
Other names: p.S337S:AGC>AGT; c.1011C>T, p.Ser337= (NM_001375809.1, NM_014646.2).
Identifiers: ClinVar variation 138129 (VCV000138129.10), dbSNP rs375422942, ClinGen allele CA291947.